The following is an entry in ClinVar:

ClinVar aggregate classification (germline): Uncertain significance (1 of 4 stars; one submission).

Submission:

GeneDx
Classification: Uncertain significance. Last evaluated: 2023-11-25. Review status: criteria provided, single submitter. Criteria: GeneDx Variant Classification Process June 2021. Collection method: clinical testing. Allele origin: germline. Affected: yes.
Comment: Not observed at significant frequency in large population cohorts (gnomAD); In silico analysis supports that this missense variant does not alter protein structure/function; Has not been previously published as pathogenic or benign to our knowledge

NM_006206.6(PDGFRA):c.3169T>G (p.Ser1057Ala)

Gene: PDGFRA (platelet derived growth factor receptor alpha; plus strand). Cytogenetic location: 4q12.
Variant type: single nucleotide variant.
Coding change: c.3169T>G on transcript NM_006206.6 (MANE Select); coding-DNA position 3169, T replaced by G.
Protein change: p.Ser1057Ala; replaces serine 1057 with alanine.
Molecular consequence: missense variant.
Genome position (GRCh38, 1-based): chr4:54,295,171, T>G. VCF-style: chr4-54295171-T-G. GRCh37 (hg19) VCF-style: chr4-55161338-T-G.
Other names: c.3244T>G, p.Ser1082Ala (NM_001347828.2); c.3169T>G, p.Ser1057Ala (NM_001347829.2); c.3208T>G, p.Ser1070Ala (NM_001347830.2); short protein forms S1057A, S1070A, S1082A.
Identifiers: ClinVar variation 3364852 (VCV003364852.1).